The following is an entry in ClinVar:

NM_001042492.3(NF1):c.8378-6C>T

Gene: NF1 (neurofibromin 1; plus strand). Cytogenetic location: 17q11.2.
Variant type: single nucleotide variant.
Coding change: c.8378-6C>T on transcript NM_001042492.3 (MANE Select); 6 bases into the intron before coding-DNA position 8378, C replaced by T.
Molecular consequence: intron variant.
Genome position (GRCh38, 1-based): chr17:31,374,007, C>T. VCF-style: chr17-31374007-C-T. GRCh37 (hg19) VCF-style: chr17-29701025-C-T.
Other names: c.8315-6C>T (NM_000267.4); c.8378-6C>T (NM_001042492.2).
Identifiers: ClinVar variation 527648 (VCV000527648.13), dbSNP rs761763159, ClinGen allele CA8487815.

ClinVar aggregate classification (germline): Conflicting classifications of pathogenicity. Review status: criteria provided, conflicting classifications (1 of 4 stars). 4 submissions from 4 submitters: Uncertain significance (1); Likely benign (3). Last evaluated 2026-05-14.

Conditions:
NF1-related disorder. Also called: NF1-related condition. Identifiers: MedGen CN379171.
Hereditary cancer-predisposing syndrome. Also called: Hereditary neoplastic syndrome; Hereditary Cancer Syndrome; Neoplastic Syndromes, Hereditary; Tumor predisposition. Identifiers: Orphanet 140162, MedGen C0027672, MeSH D009386, MONDO:0015356.
Cardiovascular phenotype. Identifiers: MedGen CN230736.
Neurofibromatosis, type 1 (NF1). Also called: Peripheral type neurofibromatosis; Neurofibromatosis, type I; VON RECKLINGHAUSEN DISEASE; NEUROFIBROMATOSIS, TYPE I, SOMATIC. Identifiers: Orphanet 636, MedGen C0027831, MONDO:0018975, OMIM 162200. Disease mechanism: loss of function.

Allele frequency attached by ClinVar (database versions not stated): TOPMed below 0.00001; ExAC 0.00001; gnomAD 0.00001; gnomAD exomes 0.00001.
gnomAD v4.1: 12 of 1,613,848 alleles (0.00074%); highest among the groups gnomAD compares: Non-Finnish European, 0.00085%; no homozygotes.

Submissions (4):

Myriad Genetics, Inc.
Classification: Likely benign for Neurofibromatosis, type 1. Last evaluated: 2026-05-14. Review status: criteria provided, single submitter. Criteria: Myriad Autosomal Dominant, Autosomal Recessive and X-Linked Classification Criteria (2023). Collection method: clinical testing. Allele origin: unknown.
Comment: This variant is considered likely benign. This variant is intronic and is not expected to impact mRNA splicing.

Labcorp Genetics (formerly Invitae), Labcorp
Classification: Likely benign for Neurofibromatosis, type 1. Last evaluated: 2026-02-03. Review status: criteria provided, single submitter. Criteria: Invitae Variant Classification Sherloc (09022015). Collection method: clinical testing. Allele origin: germline.

PreventionGenetics, part of Exact Sciences
Classification: Likely benign for NF1-related condition. Last evaluated: 2025-04-29. Review status: criteria provided, single submitter. Criteria: ACMG Guidelines, 2015. Collection method: clinical testing. Allele origin: germline.
Comment: This variant is classified as likely benign based on ACMG/AMP sequence variant interpretation guidelines (Richards et al. 2015 PMID: 25741868, with internal and published modifications).

Ambry Genetics
Classification: Uncertain significance for Cardiovascular phenotype; Hereditary cancer-predisposing syndrome. Last evaluated: 2024-10-16. Review status: criteria provided, single submitter. Criteria: Ambry Variant Classification Scheme 2023. Collection method: clinical testing. Allele origin: germline.
Comment: The c.8315-6C>T intronic alteration consists of a C to T substitution 6 nucleotides before coding exon 57 in the NF1 gene. Based on insufficient or conflicting evidence, the clinical significance of this alteration remains unclear.